The following is an entry in ClinVar:

ClinVar aggregate classification (germline): Uncertain significance (1 of 4 stars; one submission).

Submission:

Ambry Genetics
Classification: Uncertain significance. Last evaluated: 2022-03-08. Review status: criteria provided, single submitter. Criteria: Ambry Variant Classification Scheme 2023. Collection method: clinical testing. Allele origin: germline.
Comment: The p.E553K variant (also known as c.1657G>A), located in coding exon 9 of the PALLD gene, results from a G to A substitution at nucleotide position 1657. The glutamic acid at codon 553 is replaced by lysine, an amino acid with similar properties. This amino acid position is conserved. In addition, this alteration is predicted to be tolerated by in silico analysis. Since supporting evidence is limited at this time, the clinical significance of this alteration remains unclear.

NM_001166108.2(PALLD):c.1657G>A (p.Glu553Lys)

Gene: PALLD (palladin, cytoskeletal associated protein; plus strand). Cytogenetic location: 4q32.3.
Variant type: single nucleotide variant.
Coding change: c.1657G>A on transcript NM_001166108.2 (MANE Select); coding-DNA position 1657, G replaced by A.
Protein change: p.Glu553Lys; replaces glutamic acid 553 with lysine.
Molecular consequence: missense variant.
Genome position (GRCh38, 1-based): chr4:168,711,616, G>A. VCF-style: chr4-168711616-G-A. GRCh37 (hg19) VCF-style: chr4-169632767-G-A.
Other names: c.511G>A, p.Glu171Lys (NM_001166109.2); c.1657G>A, p.Glu553Lys (NM_016081.4); short protein forms E553K, E171K.
Identifiers: ClinVar variation 1777381 (VCV001777381.2), dbSNP rs2531854544, ClinGen allele CA358797928.
Genomic context (GRCh38, chr4:168,711,616, plus strand): 5'-TTTTCCTCTCTTTCCCCTTCCTTAGCCAACACTGAAAACTGTAGTTACGAGTCAATGGGA[G>A]AATCCAACAATGACCACTTCCAACACTTTCCACCTCCCCCTCCAATCTTGGAGACAAGTT-3'
Protein context (NP_001159580.1, residues 543-563): TENCSYESMG[Glu553Lys]SNNDHFQHFP